The following is an entry in ClinVar:

ClinVar aggregate classification (germline): Conflicting classifications of pathogenicity. Review status: criteria provided, conflicting classifications (1 of 4 stars). 5 submissions from 5 submitters: Pathogenic (4); Uncertain significance (1). Last evaluated 2025-12-30.

Conditions:
CYP21A2-related disorder. Also called: CYP21A2-related condition.
21-Hydroxylase-Deficient Congenital Adrenal Hyperplasia. Also called: ADRENAL HYPERPLASIA, CONGENITAL, DUE TO 21-HYDROXYLASE DEFICIENCY; ADRENAL HYPERPLASIA III. Identifiers: MedGen C2936858, OMIM 201910.

Allele frequency attached by ClinVar (database versions not stated): gnomAD 0.00001 and 0.00005; 1000 Genomes Project 30x 0.00016; gnomAD exomes 0.00017; ExAC 0.00018; 1000 Genomes Project 0.00020.

Submissions (5):

Labcorp Genetics (formerly Invitae), Labcorp
Classification: Pathogenic. Last evaluated: 2025-12-30. Review status: criteria provided, single submitter. Criteria: Invitae Variant Classification Sherloc (09022015). Collection method: clinical testing. Allele origin: germline.
Comment: This sequence change replaces arginine, which is basic and polar, with glutamine, which is neutral and polar, at codon 357 of the CYP21A2 protein (p.Arg357Gln). The frequency data for this variant in the population databases (gnomAD) is considered unreliable due to the presence of homologous sequence, such as pseudogenes or paralogs, in the genome. This missense change has been observed in individual(s) with classic salt wasting as well as simple virilizing forms of congenital adrenal hyperplasia due to 21-hydroxylase deficiency (PMID: 9099839, 9187661, 26804566). In at least one individual the data is consistent with being in trans (on the opposite chromosome) from a pathogenic variant. This variant is also known as R356Q. ClinVar contains an entry for this variant (Variation ID: 1675315). Invitae Evidence Modeling of protein sequence and biophysical properties (such as structural, functional, and spatial information, amino acid conservation, physicochemical variation, residue mobility, and thermodynamic stability) has been performed for this missense variant. However, the output from this modeling did not meet the statistical confidence thresholds required to predict the impact of this variant on CYP21A2 protein function. Experimental studies have shown that this missense change affects CYP21A2 function (PMID: 9187661). This variant disrupts the p.Arg357 amino acid residue in CYP21A2. Other variant(s) that disrupt this residue have been determined to be pathogenic (PMID: 9099839, 9187661, 26804566). This suggests that this residue is clinically significant, and that variants that disrupt this residue are likely to be disease-causing. For these reasons, this variant has been classified as Pathogenic.

PreventionGenetics, part of Exact Sciences
Classification: Pathogenic for CYP21A2-related condition. Last evaluated: 2025-01-26. Review status: criteria provided, single submitter. Criteria: ACMG Guidelines, 2015. Collection method: clinical testing. Allele origin: germline.
Comment: The CYP21A2 c.1070G>A variant is predicted to result in the amino acid substitution p.Arg357Gln. Also known as R356Q in the literature, this variant has been reported in individuals with congenital adrenal hyperplasia (CAH) (Levo et al. 1997. PubMed ID: 9099839; Kurzyńska et al. 2022. PubMed ID: 35079965; Supplementary Table 1, Saho et al. 2023. PubMed ID: 37008950; Lajic et al. 1997. PubMed ID: 9187661; Wang et al. 2016. PubMed ID: 26804566). This variant was suggested as a spontaneous variant (i.e. not derived from the pseudogene) (Wang et al. 2016. PubMed ID: 26804566). Regarding the severity, this variant was shown to be likely predominantly associated with simple virilizing (SV) CAH since this substitution resulted in partial activity preserved and a homozygote of this variant correlated with SV CAH (Supplementary Table 1, Saho et al. 2023. PubMed ID: 37008950; Lajic et al. 1997. PubMed ID: 9187661; Haider et al. 2013. PubMed ID: 23359706). This variant is reported in 0.13% of alleles in individuals of South Asian descent in gnomAD. This variant falls within a highly paralogous region. Allele frequency data should be interpreted with caution. This variant is interpreted as pathogenic.

Blueprint Genetics
Classification: Pathogenic for CYP21A2-related disorders. Last evaluated: 2024-10-03. Review status: criteria provided, single submitter. Criteria: ACMG Guidelines, 2015. Collection method: clinical testing. Allele origin: germline. Affected: yes. Observed: 3 variant alleles.

Newborn Screening Ontario, Children's Hospital of Eastern Ontario (CHEO)
Classification: Pathogenic for 21-Hydroxylase-Deficient Congenital Adrenal Hyperplasia. Last evaluated: 2022-06-01. Review status: criteria provided, single submitter. Criteria: ACMG Guidelines, 2015. Collection method: clinical testing. Allele origin: germline. Inheritance: Autosomal recessive inheritance.

Institute of Medical Genetics and Genomics, Sir Ganga Ram Hospital
Classification: Uncertain significance for 21-Hydroxylase-Deficient Congenital Adrenal Hyperplasia. Last evaluated: 2021-03-10. Review status: criteria provided, single submitter. Criteria: ACMG Guidelines, 2015. Collection method: clinical testing. Allele origin: germline. Affected: yes. Observed: 1 variant allele.

Literature cited by the submitters: PubMed 9099839 (cited by Labcorp Genetics (formerly Invitae), Labcorp); PubMed 9187661 (cited by Labcorp Genetics (formerly Invitae), Labcorp); PubMed 26804566 (cited by Labcorp Genetics (formerly Invitae), Labcorp); PubMed 23359698 (cited by Institute of Medical Genetics and Genomics, Sir Ganga Ram Hospital); PubMed 33552137 (cited by Institute of Medical Genetics and Genomics, Sir Ganga Ram Hospital); PubMed 30611409 (cited by Institute of Medical Genetics and Genomics, Sir Ganga Ram Hospital); PubMed 29035424 (cited by Institute of Medical Genetics and Genomics, Sir Ganga Ram Hospital).

NM_000500.9(CYP21A2):c.1070G>A (p.Arg357Gln)

Genes: CYP21A2 (cytochrome P450 family 21 subfamily A member 2; plus strand), LOC106780800 (CYP21A2 recombination region; plus strand). Cytogenetic location: 6p21.33.
Variant type: single nucleotide variant.
Coding change: c.1070G>A on transcript NM_000500.9 (MANE Select); coding-DNA position 1070, G replaced by A.
Protein change: p.Arg357Gln; replaces arginine 357 with glutamine.
Molecular consequence: missense variant.
Genome position (GRCh38, 1-based): chr6:32,040,536, G>A. VCF-style: chr6-32040536-G-A. GRCh37 (hg19) VCF-style: chr6-32008313-G-A.
Other names: p.Arg357Gln; c.980G>A, p.Arg327Gln (NM_001128590.4); c.665G>A, p.Arg222Gln (NM_001368143.2, NM_001368144.2); c.1070G>A (NM_000500.7); short protein forms R222Q, R327Q, R357Q.
Identifiers: ClinVar variation 1675315 (VCV001675315.10), dbSNP rs574370139, ClinGen allele CA3732627.